The following is an entry in ClinVar:

NM_198576.4(AGRN):c.4338C>T (p.Ala1446=)

Gene: AGRN (agrin; plus strand). Cytogenetic location: 1p36.33.
Variant type: single nucleotide variant.
Coding change: c.4338C>T on transcript NM_198576.4 (MANE Select); coding-DNA position 4338, C replaced by T.
Protein change: p.Ala1446=; no amino-acid change (alanine 1446 retained).
Molecular consequence: synonymous variant.
Genome position (GRCh38, 1-based): chr1:1,049,275, C>T. VCF-style: chr1-1049275-C-T. GRCh37 (hg19) VCF-style: chr1-984655-C-T.
Other names: c.4338C>T, p.Ala1446= (NM_001305275.2); c.4023C>T, p.Ala1341= (NM_001364727.2).
Identifiers: ClinVar variation 1093683 (VCV001093683.25), dbSNP rs755467815, ClinGen allele CA509431.

ClinVar aggregate classification (germline): Likely benign. Review status: criteria provided, multiple submitters, no conflicts (2 of 4 stars). 2 submissions from 2 submitters: Likely benign (2). Last evaluated 2026-01-19.

Conditions:
Congenital myasthenic syndrome 8. Also called: Myasthenic syndrome, congenital, 8, with pre- and postsynaptic defects; MYASTHENIC SYNDROME, CONGENITAL, DUE TO AGRIN DEFICIENCY. Identifiers: Orphanet 590, MedGen C3808739, MONDO:0014052, OMIM 615120.

Allele frequency attached by ClinVar (database versions not stated): gnomAD 0.00005 and 0.00006; TOPMed 0.00007; gnomAD exomes 0.00008 and 0.00012; ExAC 0.00012.
gnomAD v4.1: 176 of 1,594,968 alleles (0.011%); highest among the groups gnomAD compares: Middle Eastern, 0.017%; no homozygotes.

Submissions (2):

Labcorp Genetics (formerly Invitae), Labcorp
Classification: Likely benign for Congenital myasthenic syndrome 8. Last evaluated: 2026-01-19. Review status: criteria provided, single submitter. Criteria: Invitae Variant Classification Sherloc (09022015). Collection method: clinical testing. Allele origin: germline.

CeGaT Center for Human Genetics Tuebingen
Classification: Likely benign. Last evaluated: 2024-06-01. Review status: criteria provided, single submitter. Criteria: CeGaT Center For Human Genetics Tuebingen Variant Classification Criteria Version 2. Collection method: clinical testing. Allele origin: germline. Affected: yes. Observed: 1 variant allele.
Comment: AGRN: BP4, BP7